The following is an entry in ClinVar:

NC_000001.10:g.(?_155870179)_(156146788_?)dup

Genes: ARHGEF2 (Rho/Rac guanine nucleotide exchange factor 2; minus strand), KHDC4 (KH domain containing 4, pre-mRNA splicing factor; minus strand), LAMTOR2 (late endosomal/lysosomal adaptor, MAPK and MTOR activator 2; plus strand), LMNA (lamin A/C; plus strand), MEX3A (mex-3 RNA binding family member A; minus strand) and 6 more. Cytogenetic location: 1q22.
Variant type: Duplication.
Identifiers: ClinVar variation 1444536 (VCV001444536.4).

ClinVar aggregate classification (germline): Uncertain significance (1 of 4 stars; one submission).

Submission:

Labcorp Genetics (formerly Invitae), Labcorp
Classification: Uncertain significance. Last evaluated: 2021-02-11. Review status: criteria provided, single submitter. Criteria: Invitae Variant Classification Sherloc (09022015). Collection method: clinical testing. Allele origin: germline.
Comment: Experimental studies and prediction algorithms are not available or were not evaluated, and the functional significance of this variant is currently unknown. In summary, the available evidence is currently insufficient to determine the role of this variant in disease. Therefore, it has been classified as a Variant of Uncertain Significance. This variant has not been reported in the literature in individuals with SEMA4A-related conditions. A copy number gain of the genomic region encompassing the full coding sequence of the SEMA4A gene has been identified. The boundaries of this event are unknown as they extend beyond the assayed region for this gene and therefore may encompass additional genes. As the precise location of this event is unknown, it may be in tandem or it may be located elsewhere in the genome.